The following is an entry in ClinVar:

ClinVar aggregate classification (germline): Uncertain significance. Review status: criteria provided, multiple submitters, no conflicts (2 of 4 stars). 2 submissions from 2 submitters: Uncertain significance (2). Last evaluated 2024-12-31.

Conditions:
MYO5B-related disorder. Also called: MYO5B-related condition.

Allele frequency attached by ClinVar (database versions not stated): TOPMed below 0.00001; ExAC 0.00001; gnomAD 0.00001 and 0.00002; gnomAD exomes 0.00001.

Submissions (2):

PreventionGenetics, part of Exact Sciences
Classification: Uncertain significance for MYO5B-related condition. Last evaluated: 2024-12-31. Review status: criteria provided, single submitter. Criteria: ACMG Guidelines, 2015. Collection method: clinical testing. Allele origin: germline.
Comment: The MYO5B c.3175G>A variant is predicted to result in the amino acid substitution p.Glu1059Lys. To our knowledge, this variant has not been reported in the literature. This variant is reported in 0.0018% of alleles in individuals of European (Non-Finnish) descent in gnomAD. At this time, the clinical significance of this variant is uncertain due to the absence of conclusive functional and genetic evidence.

Labcorp Genetics (formerly Invitae), Labcorp
Classification: Uncertain significance. Last evaluated: 2024-10-16. Review status: criteria provided, single submitter. Criteria: Invitae Variant Classification Sherloc (09022015). Collection method: clinical testing. Allele origin: germline.
Comment: This sequence change replaces glutamic acid, which is acidic and polar, with lysine, which is basic and polar, at codon 1059 of the MYO5B protein (p.Glu1059Lys). This variant is present in population databases (rs750970018, gnomAD 0.002%). This variant has not been reported in the literature in individuals affected with MYO5B-related conditions. ClinVar contains an entry for this variant (Variation ID: 1368349). Invitae Evidence Modeling of protein sequence and biophysical properties (such as structural, functional, and spatial information, amino acid conservation, physicochemical variation, residue mobility, and thermodynamic stability) has been performed for this missense variant. However, the output from this modeling did not meet the statistical confidence thresholds required to predict the impact of this variant on MYO5B protein function. In summary, the available evidence is currently insufficient to determine the role of this variant in disease. Therefore, it has been classified as a Variant of Uncertain Significance.

NM_001080467.3(MYO5B):c.3175G>A (p.Glu1059Lys)

Gene: MYO5B (myosin VB; minus strand). Cytogenetic location: 18q21.1.
Variant type: single nucleotide variant.
Coding change: c.3175G>A on transcript NM_001080467.3 (MANE Select); coding-DNA position 3175, G replaced by A.
Protein change: p.Glu1059Lys; replaces glutamic acid 1059 with lysine.
Molecular consequence: missense variant.
Genome position (GRCh38, 1-based): chr18:49,879,046, C>T on the plus strand (G>A on the coding strand, the complement: MYO5B is on the minus strand). VCF-style: chr18-49879046-C-T. GRCh37 (hg19) VCF-style: chr18-47405416-C-T.
Other names: c.3175G>A (NM_001080467.2); short protein forms E1059K.
Identifiers: ClinVar variation 1368349 (VCV001368349.6), dbSNP rs750970018, ClinGen allele CA8960811.